The following is an entry in ClinVar:

NM_000059.4(BRCA2):c.4298_4305del (p.Gly1433fs)

Gene: BRCA2 (BRCA2 DNA repair associated; plus strand). Cytogenetic location: 13q13.1.
Variant type: Deletion.
Coding change: c.4298_4305del on transcript NM_000059.4 (MANE Select); coding-DNA positions 4298 to 4305, 8 bases deleted (GGAAAAAT; older notation c.4298_4305delGGAAAAAT).
Protein change: p.Gly1433fs; shifts the reading frame from glycine 1433.
Molecular consequence: frameshift variant. On other transcripts: non-coding transcript variant (1), intron variant (2).
Genome position (GRCh38, 1-based): chr13:32,338,653-32,338,660, GGAAAAAT deleted. VCF-style (leftmost placement, unchanged base first): chr13-32338652-GGGAAAAAT-G. GRCh37 (hg19) VCF-style: chr13-32912789-GGGAAAAAT-G.
Other names: c.4298_4305del, p.Gly1433fs (NM_001406719.1, NM_001406720.1, NM_001432077.1); c.1909+5266_1909+5273del (NM_001406721.1); c.425-5905_425-5898del (NM_001406722.1); short protein forms G1433fs.
Identifiers: ClinVar variation 3825454 (VCV003825454.1).
Genomic context (GRCh38, chr13:32,338,652, plus strand): 5'-AAAACGGAGCAAAATATAAAAGATTTTGAGACTTCTGATACATTTTTTCAGACTGCAAGT[GGGAAAAAT>G]ATTAGTGTCGCCAAAGAGTCATTTAATAAAATTGTAAATTTCTTTGATCAGAAACCAGAA-3'

ClinVar aggregate classification (germline): Pathogenic (1 of 4 stars; one submission).

Conditions:
Hereditary cancer-predisposing syndrome. Also called: Hereditary neoplastic syndrome; Neoplastic Syndromes, Hereditary; Tumor predisposition; Hereditary Cancer Syndrome. Identifiers: Orphanet 140162, MedGen C0027672, MeSH D009386, MONDO:0015356.

Submission:

Ambry Genetics
Classification: Pathogenic for Hereditary cancer-predisposing syndrome. Last evaluated: 2025-02-27. Review status: criteria provided, single submitter. Criteria: Ambry Variant Classification Scheme 2023. Collection method: clinical testing. Allele origin: germline.
Comment: The c.4298_4305delGGAAAAAT pathogenic mutation, located in coding exon 10 of the BRCA2 gene, results from a deletion of 8 nucleotides at nucleotide positions 4298 to 4305, causing a translational frameshift with a predicted alternate stop codon (p.G1433Dfs*2). This variant is considered to be rare based on population cohorts in the Genome Aggregation Database (gnomAD). This alteration is expected to result in loss of function by premature protein truncation or nonsense-mediated mRNA decay. As such, this alteration is interpreted as a disease-causing mutation.